The following is an entry in ClinVar:

NM_007194.4(CHEK2):c.1392G>T (p.Lys464Asn)

Gene: CHEK2 (checkpoint kinase 2; minus strand). Cytogenetic location: 22q12.1.
Variant type: single nucleotide variant.
Coding change: c.1392G>T on transcript NM_007194.4 (MANE Select); coding-DNA position 1392, G replaced by T.
Protein change: p.Lys464Asn; replaces lysine 464 with asparagine.
Molecular consequence: missense variant.
Genome position (GRCh38, 1-based): chr22:28,694,101, C>A on the plus strand (G>T on the coding strand, the complement: CHEK2 is on the minus strand). VCF-style: chr22-28694101-C-A. GRCh37 (hg19) VCF-style: chr22-29090089-C-A.
Other names: c.1521G>T, p.Lys507Asn (NM_001005735.3); c.729G>T, p.Lys243Asn (NM_001257387.3); c.1191G>T, p.Lys397Asn (NM_001349956.3); c.1305G>T, p.Lys435Asn (NM_145862.3); short protein forms K464N, K397N, K243N, K435N, K507N.
Identifiers: ClinVar variation 530112 (VCV000530112.14), dbSNP rs764396738, ClinGen allele CA10167658.
Genomic context (GRCh38, chr22:28,694,101, plus strand): 5'-CGGGTGTCTTAAGGCTTCTTCTGTCGTAAAACGTGCCTTTGGATCCACTACCAACAACTT[C>A]TTGACAAGGTCCAGAGCTAAAGCAACAATTGGGCAAATCACAGTGAAAAGGATAAATATA-3'
Protein context (NP_009125.1, residues 454-474): EVSEKALDLV[Lys464Asn]KLLVVDPKAR

ClinVar aggregate classification (germline): Uncertain significance. Review status: criteria provided, multiple submitters, no conflicts (2 of 4 stars). 5 submissions from 5 submitters: Uncertain significance (5). Last evaluated 2024-09-16.

Conditions:
Familial cancer of breast. Also called: BREAST CANCER, FAMILIAL; Hereditary breast cancer; hereditary breast carcinoma. Identifiers: Orphanet 227535, MedGen C0346153, MONDO:0016419, OMIM 114480. Disease mechanism: loss of function.
Hereditary cancer-predisposing syndrome. Also called: Hereditary neoplastic syndrome; Neoplastic Syndromes, Hereditary; Hereditary Cancer Syndrome; Tumor predisposition. Identifiers: Orphanet 140162, MedGen C0027672, MeSH D009386, MONDO:0015356.

Allele frequency attached by ClinVar (database versions not stated): gnomAD exomes below 0.00001; ExAC 0.00001.

Submissions (5):

Ambry Genetics
Classification: Uncertain significance for Hereditary cancer-predisposing syndrome. Last evaluated: 2024-09-16. Review status: criteria provided, single submitter. Criteria: Ambry Variant Classification Scheme 2023. Collection method: clinical testing. Allele origin: germline.
Comment: The p.K464N variant (also known as c.1392G>T), located in coding exon 12 of the CHEK2 gene, results from a G to T substitution at nucleotide position 1392. The lysine at codon 464 is replaced by asparagine, an amino acid with similar properties. This alteration was detected in 1/5589 German BRCA1/2-negative probands with breast cancer (Hauke J et al. Cancer Med, 2018 Apr;7:1349-1358). This alteration was reported as functional in a study assessing CHEK2-complementation through quantification of KAP1 phosphorylation and CHK2 autophosphorylation in human RPE1-CHEK2-knockout cells (Stolarova L et al. Clin Cancer Res, 2023 Aug;29:3037-3050). This nucleotide position is highly conserved in available vertebrate species. This amino acid position is highly conserved in available vertebrate species. In silico splice site analysis predicts that this alteration may weaken the native splice acceptor site; however direct evidence is insufficient at this time (Ambry internal data). In addition, as a missense, this alteration is predicted to be tolerated by in silico analysis. Based on the available evidence, the clinical significance of this variant remains unclear.

Baylor Genetics
Classification: Uncertain significance for Familial cancer of breast. Last evaluated: 2023-07-21. Review status: criteria provided, single submitter. Criteria: ACMG Guidelines, 2015. Collection method: clinical testing. Allele origin: unknown.

Labcorp Genetics (formerly Invitae), Labcorp
Classification: Uncertain significance for Familial cancer of breast. Last evaluated: 2023-03-11. Review status: criteria provided, single submitter. Criteria: Invitae Variant Classification Sherloc (09022015). Collection method: clinical testing. Allele origin: germline.
Comment: An algorithm developed to predict the effect of missense changes on protein structure and function (PolyPhen-2) suggests that this variant is likely to be disruptive. In summary, the available evidence is currently insufficient to determine the role of this variant in disease. Therefore, it has been classified as a Variant of Uncertain Significance. Algorithms developed to predict the effect of sequence changes on RNA splicing suggest that this variant may disrupt the consensus splice site. ClinVar contains an entry for this variant (Variation ID: 530112). This variant has not been reported in the literature in individuals affected with CHEK2-related conditions. This variant is present in population databases (rs764396738, gnomAD 0.0009%). This sequence change replaces lysine, which is basic and polar, with asparagine, which is neutral and polar, at codon 464 of the CHEK2 protein (p.Lys464Asn).

Institute for Biomarker Research, Medical Diagnostic Laboratories, L.L.C.
Classification: Uncertain significance for Hereditary cancer-predisposing syndrome. Last evaluated: 2023-01-10. Review status: criteria provided, single submitter. Criteria: ACMG Guidelines, 2015. Collection method: clinical testing. Allele origin: germline.

Mendelics
Classification: Uncertain significance for Familial cancer of breast. Last evaluated: 2018-07-02. Review status: criteria provided, single submitter. Criteria: Mendelics Assertion Criteria 2017. Collection method: clinical testing. Allele origin: unknown.

Literature cited by the submitters: PubMed 29522266 (cited by Ambry Genetics); PubMed 37449874 (cited by Ambry Genetics).